The following is an entry in ClinVar:

ClinVar aggregate classification (germline): Benign/Likely benign. Review status: criteria provided, multiple submitters, no conflicts (2 of 4 stars). 3 submissions from 3 submitters: Benign (1); Likely benign (2). Last evaluated 2025-04-07.

Conditions:
Hereditary cancer-predisposing syndrome. Also called: Tumor predisposition; Hereditary Cancer Syndrome; Hereditary neoplastic syndrome; Neoplastic Syndromes, Hereditary. Identifiers: Orphanet 140162, MedGen C0027672, MeSH D009386, MONDO:0015356.
POLD1-related polyposis and colorectal cancer syndrome (CRCS10). Also called: Colorectal cancer 10; COLORECTAL CANCER, SUSCEPTIBILITY TO, ON CHROMOSOME 19q; Colorectal cancer, susceptibility to, 10. Identifiers: Orphanet 220460, MedGen C2675481, MONDO:0012953, OMIM 612591.

Allele frequency attached by ClinVar (database versions not stated): gnomAD exomes below 0.00001.
gnomAD v4.1: 1 of 1,560,548 alleles (0.000064%); highest among the groups gnomAD compares: Middle Eastern, 0.019%; no homozygotes.

Submissions (3):

Ambry Genetics
Classification: Likely benign for Hereditary cancer-predisposing syndrome. Last evaluated: 2025-04-07. Review status: criteria provided, single submitter. Criteria: Ambry Variant Classification Scheme 2023. Collection method: clinical testing. Allele origin: germline.

Myriad Genetics, Inc.
Classification: Benign for POLD1-related polyposis and colorectal cancer syndrome. Last evaluated: 2025-02-05. Review status: criteria provided, single submitter. Criteria: Myriad Autosomal Dominant, Autosomal Recessive and X-Linked Classification Criteria (2023). Collection method: clinical testing. Allele origin: unknown.
Comment: This variant is considered benign. This variant is a silent/synonymous amino acid change and it is not expected to impact splicing.

Labcorp Genetics (formerly Invitae), Labcorp
Classification: Likely benign for POLD1-related polyposis and colorectal cancer syndrome. Last evaluated: 2022-08-24. Review status: criteria provided, single submitter. Criteria: Invitae Variant Classification Sherloc (09022015). Collection method: clinical testing. Allele origin: germline.

NM_002691.4(POLD1):c.1116G>A (p.Glu372=)

Gene: POLD1 (DNA polymerase delta 1, catalytic subunit; plus strand). Cytogenetic location: 19q13.33.
Variant type: single nucleotide variant.
Coding change: c.1116G>A on transcript NM_002691.4 (MANE Select); coding-DNA position 1116, G replaced by A.
Protein change: p.Glu372=; no amino-acid change (glutamic acid 372 retained).
Molecular consequence: synonymous variant. On other transcripts: non-coding transcript variant (1).
Genome position (GRCh38, 1-based): chr19:50,403,198, G>A. VCF-style: chr19-50403198-G-A. GRCh37 (hg19) VCF-style: chr19-50906455-G-A.
Other names: c.1116G>A, p.Glu372= (NM_001256849.1, NM_001308632.1); c.1116G>A (NM_002691.2).
Identifiers: ClinVar variation 1997667 (VCV001997667.6), dbSNP rs2513974051, ClinGen allele CA508182798.
Genomic context (GRCh38, chr19:50,403,198, plus strand): 5'-CCTGGCGCTCACCCTGCGGCCCTGTGCCCCCATCCTGGGTGCCAAGGTGCAGAGCTACGA[G>A]AAGGAGGAGGACCTGCTGCAGGTAGCTCTCGCTCCACGCCCCACACCATTTCCCGGGGTC-3'
Protein context (NP_002682.2, residues 362-382): PILGAKVQSY[Glu372=]KEEDLLQAWS